The following is an entry in ClinVar:

ClinVar aggregate classification (germline): Pathogenic (1 of 4 stars; one submission).

Conditions:
Arrhythmogenic right ventricular dysplasia 12. Also called: ARRHYTHMOGENIC RIGHT VENTRICULAR DYSPLASIA, FAMILIAL, 12. Identifiers: MedGen C1969081, MONDO:0012684, OMIM 611528.
Naxos disease (NXD). Also called: KERATOSIS PALMOPLANTARIS WITH ARRHYTHMOGENIC CARDIOMYOPATHY; MAL DE NAXOS; PALMOPLANTAR KERATODERMA WITH ARRHYTHMOGENIC RIGHT VENTRICULAR CARDIOMYOPATHY AND WOOLLY HAIR; WOOLLY HAIR, PALMOPLANTAR KERATODERMA, AND CARDIAC ABNORMALITIES; CARDIOMYOPATHY, ARRHYTHMOGENIC RIGHT VENTRICULAR, WITH SKIN, HAIR, AND NAIL ABNORMALITIES. Identifiers: Orphanet 34217, MedGen C1832600, MONDO:0011017, OMIM 601214.

Submission:

Labcorp Genetics (formerly Invitae), Labcorp
Classification: Pathogenic for Arrhythmogenic right ventricular dysplasia 12; Naxos disease. Last evaluated: 2025-01-05. Review status: criteria provided, single submitter. Criteria: Invitae Variant Classification Sherloc (09022015). Collection method: clinical testing. Allele origin: germline.
Comment: This sequence change creates a premature translational stop signal (p.Lys615*) in the JUP gene. It is expected to result in an absent or disrupted protein product. Loss-of-function variants in JUP are known to be pathogenic (PMID: 10902626). This variant is not present in population databases (gnomAD no frequency). This variant has not been reported in the literature in individuals affected with JUP-related conditions. For these reasons, this variant has been classified as Pathogenic.

Literature cited by the submitters: PubMed 10902626.

NM_002230.4(JUP):c.1843A>T (p.Lys615Ter)

Gene: JUP (junction plakoglobin; minus strand). Cytogenetic location: 17q21.2.
Variant type: single nucleotide variant.
Coding change: c.1843A>T on transcript NM_002230.4 (MANE Select); coding-DNA position 1843, A replaced by T.
Protein change: p.Lys615Ter; replaces lysine 615 with a stop codon.
Molecular consequence: nonsense.
Genome position (GRCh38, 1-based): chr17:41,757,715, T>A on the plus strand (A>T on the coding strand, the complement: JUP is on the minus strand). VCF-style: chr17-41757715-T-A. GRCh37 (hg19) VCF-style: chr17-39913967-T-A.
Other names: c.1843A>T, p.Lys615Ter (NM_001352773.2, NM_001352774.2, NM_001352775.2 and 3 more transcripts); short protein forms K615*.
Identifiers: ClinVar variation 3760243 (VCV003760243.2).